The following is an entry in ClinVar:

NM_130837.3(OPA1):c.641C>T (p.Thr214Ile)

Genes: OPA1 (OPA1 mitochondrial dynamin like GTPase; plus strand), OPA1-AS1 (OPA1 antisense RNA 1; minus strand). Cytogenetic location: 3q29.
Variant type: single nucleotide variant.
Coding change: c.641C>T on transcript NM_130837.3 (MANE Select); coding-DNA position 641, C replaced by T.
Protein change: p.Thr214Ile; replaces threonine 214 with isoleucine.
Molecular consequence: missense variant. On other transcripts: non-coding transcript variant (1).
Genome position (GRCh38, 1-based): chr3:193,618,899, C>T. VCF-style: chr3-193618899-C-T. GRCh37 (hg19) VCF-style: chr3-193336688-C-T.
Other names: c.215C>T, p.Thr72Ile (NM_001354664.2); c.587C>T, p.Thr196Ile (NM_015560.3, NM_130836.3); c.479C>T, p.Thr160Ile (NM_130833.3, NM_130831.3); c.641C>T, p.Thr214Ile (NM_130834.3); c.107C>T, p.Thr36Ile (NM_001354663.2); c.533C>T, p.Thr178Ile (NM_130835.3, NM_130832.3); short protein forms T160I, T36I, T196I, T214I, T72I, T178I.
Identifiers: ClinVar variation 3711355 (VCV003711355.3).
Genomic context (GRCh38, chr3:193,618,899, plus strand): 5'-AATGTAAAGGGTTGCATATTTATCTTTAAGGTTCTCCGGAAGAAACGGCGTTTAGAGCAA[C>T]AGATCGTGGATCTGAAAGTGACAAGCATTTTAGAAAGGTAAGTGTAAAAGAGAATTGTTC-3'
Protein context (NP_570850.2, residues 204-224): GSPEETAFRA[Thr214Ile]DRGSESDKHF

ClinVar aggregate classification (germline): Uncertain significance. Review status: criteria provided, multiple submitters, no conflicts (2 of 4 stars). 2 submissions from 2 submitters: Uncertain significance (2). Last evaluated 2025-12-02.

Conditions:
Inborn genetic diseases. Identifiers: MedGen C0950123, MeSH D030342.

gnomAD v4.1: 2 of 1,613,768 alleles (0.00012%); highest among the groups gnomAD compares: Admixed American, 0.0017%; no homozygotes.

Submissions (2):

Ambry Genetics
Classification: Uncertain significance for Inborn genetic diseases. Last evaluated: 2025-12-02. Review status: criteria provided, single submitter. Criteria: Ambry Variant Classification Scheme 2023. Collection method: clinical testing. Allele origin: germline.

Labcorp Genetics (formerly Invitae), Labcorp
Classification: Uncertain significance. Last evaluated: 2024-10-08. Review status: criteria provided, single submitter. Criteria: Invitae Variant Classification Sherloc (09022015). Collection method: clinical testing. Allele origin: germline.
Comment: This sequence change replaces threonine, which is neutral and polar, with isoleucine, which is neutral and non-polar, at codon 196 of the OPA1 protein (p.Thr196Ile). This variant is not present in population databases (gnomAD no frequency). This variant has not been reported in the literature in individuals affected with OPA1-related conditions. Invitae Evidence Modeling of protein sequence and biophysical properties (such as structural, functional, and spatial information, amino acid conservation, physicochemical variation, residue mobility, and thermodynamic stability) indicates that this missense variant is not expected to disrupt OPA1 protein function with a negative predictive value of 80%. In summary, the available evidence is currently insufficient to determine the role of this variant in disease. Therefore, it has been classified as a Variant of Uncertain Significance.